The following is an entry in ClinVar:

ClinVar aggregate classification (germline): Uncertain significance. Review status: criteria provided, multiple submitters, no conflicts (2 of 4 stars). 4 submissions from 4 submitters: Uncertain significance (4). Last evaluated 2026-02-23.

Conditions:
Cardiovascular phenotype. Identifiers: MedGen CN230736.
Hypertrophic cardiomyopathy. Also called: HYPERTROPHIC MYOCARDIOPATHY. Identifiers: Orphanet 217569, MedGen C0007194, MeSH D002312, MONDO:0005045, HP:0001639.

Submissions (4):

Ambry Genetics
Classification: Uncertain significance for Cardiovascular phenotype. Last evaluated: 2026-02-23. Review status: criteria provided, single submitter. Criteria: Ambry Variant Classification Scheme 2023. Collection method: clinical testing. Allele origin: germline.
Comment: The p.P1163L variant (also known as c.3488C>T), located in coding exon 31 of the MYBPC3 gene, results from a C to T substitution at nucleotide position 3488. The proline at codon 1163 is replaced by leucine, an amino acid with similar properties. This amino acid position is not well conserved in available vertebrate species. In addition, this alteration is predicted to be tolerated by in silico analysis. Based on the available evidence, the clinical significance of this variant remains unclear.

Molecular Diagnostic Laboratory for Inherited Cardiovascular Disease, Montreal Heart Institute
Classification: Uncertain significance for Cardiovascular phenotype. Last evaluated: 2025-04-09. Review status: criteria provided, single submitter. Criteria: ACMG Guidelines, 2015. Collection method: clinical testing. Allele origin: germline. Affected: yes.

GeneDx
Classification: Uncertain significance. Last evaluated: 2023-11-30. Review status: criteria provided, single submitter. Criteria: GeneDx Variant Classification Process June 2021. Collection method: clinical testing. Allele origin: germline. Affected: yes.
Comment: Has not been previously published as pathogenic or benign to our knowledge; Not observed at significant frequency in large population cohorts (gnomAD); In silico analysis supports that this missense variant does not alter protein structure/function

All of Us Research Program, National Institutes of Health
Classification: Uncertain significance for Hypertrophic cardiomyopathy. Last evaluated: 2023-02-15. Review status: criteria provided, single submitter. Criteria: ACMG Guidelines, 2015. Collection method: clinical testing. Allele origin: germline. Inheritance: Autosomal dominant inheritance. Observed: 1 variant allele, 1 heterozygote.
Comment: This missense variant replaces proline with leucine at codon 1163 of the MYBPC3 protein. Computational prediction suggests that this variant may not impact protein structure and function (internally defined REVEL score threshold <= 0.5, PMID: 27666373). To our knowledge, functional studies have not been reported for this variant. This variant has been reported in an individual affected with hypertrophic cardiomyopathy (PMID: 33495597). This variant has not been identified in the general population by the Genome Aggregation Database (gnomAD). The available evidence is insufficient to determine the role of this variant in disease conclusively. Therefore, this variant is classified as a Variant of Uncertain Significance.

This study involves interpretation of variants in research participants for the purpose of population health screening. Participant phenotype was not available at the time of variant classification. Additional details can be found in publication PMID: 35346344, PMCID: PMC8962531

Literature cited by the submitters: PubMed 33495597 (cited by All of Us Research Program, National Institutes of Health).

NM_000256.3(MYBPC3):c.3488C>T (p.Pro1163Leu)

Gene: MYBPC3 (myosin binding protein C3; minus strand). Cytogenetic location: 11p11.2.
Variant type: single nucleotide variant.
Coding change: c.3488C>T on transcript NM_000256.3 (MANE Select); coding-DNA position 3488, C replaced by T.
Protein change: p.Pro1163Leu; replaces proline 1163 with leucine.
Molecular consequence: missense variant.
Genome position (GRCh38, 1-based): chr11:47,332,816, G>A on the plus strand (C>T on the coding strand, the complement: MYBPC3 is on the minus strand). VCF-style: chr11-47332816-G-A. GRCh37 (hg19) VCF-style: chr11-47354367-G-A.
Other names: short protein forms P1163L.
Identifiers: ClinVar variation 3069378 (VCV003069378.4), dbSNP rs1595841187, ClinGen allele CA380313008.